The following is an entry in ClinVar:

NM_001253697.2(ERBIN):c.4084G>A (p.Glu1362Lys)

Gene: ERBIN (erbb2 interacting protein; plus strand). Cytogenetic location: 5q12.3.
Variant type: single nucleotide variant.
Coding change: c.4084G>A on transcript NM_001253697.2 (MANE Select); coding-DNA position 4084, G replaced by A.
Protein change: p.Glu1362Lys; replaces glutamic acid 1362 with lysine.
Molecular consequence: missense variant. On other transcripts: intron variant (1).
Genome position (GRCh38, 1-based): chr5:66,076,902, G>A. VCF-style: chr5-66076902-G-A. GRCh37 (hg19) VCF-style: chr5-65372730-G-A.
Other names: c.3754G>A, p.Glu1252Lys (NM_001006600.3); c.4105G>A, p.Glu1369Lys (NM_001253699.2); c.3949G>A, p.Glu1317Lys (NM_001253701.2); c.3961G>A, p.Glu1321Lys (NM_018695.4); c.3933+494G>A (NM_001253698.2); short protein forms E1252K, E1362K, E1317K, E1369K, E1321K.
Identifiers: ClinVar variation 1516230 (VCV001516230.8), dbSNP rs1663158102, ClinGen allele CA359871625.

ClinVar aggregate classification (germline): Uncertain significance (1 of 4 stars; one submission).

Submission:

Labcorp Genetics (formerly Invitae), Labcorp
Classification: Uncertain significance. Last evaluated: 2021-03-12. Review status: criteria provided, single submitter. Criteria: Invitae Variant Classification Sherloc (09022015). Collection method: clinical testing. Allele origin: germline.
Comment: This sequence change replaces glutamic acid with lysine at codon 1362 of the ERBIN protein (p.Glu1362Lys). The glutamic acid residue is moderately conserved and there is a small physicochemical difference between glutamic acid and lysine. This variant is not present in population databases (ExAC no frequency). This variant has not been reported in the literature in individuals with ERBIN-related conditions. Algorithms developed to predict the effect of missense changes on protein structure and function are either unavailable or do not agree on the potential impact of this missense change (SIFT: "Deleterious"; PolyPhen-2: "Possibly Damaging"; Align-GVGD: "Class C0"). In summary, the available evidence is currently insufficient to determine the role of this variant in disease. Therefore, it has been classified as a Variant of Uncertain Significance.